The following is an entry in ClinVar:

NM_000257.4(MYH7):c.5314G>C (p.Glu1772Gln)

Gene: MYH7 (myosin heavy chain 7; minus strand). Cytogenetic location: 14q11.2.
Variant type: single nucleotide variant.
Coding change: c.5314G>C on transcript NM_000257.4 (MANE Select); coding-DNA position 5314, G replaced by C.
Protein change: p.Glu1772Gln; replaces glutamic acid 1772 with glutamine.
Molecular consequence: missense variant.
Genome position (GRCh38, 1-based): chr14:23,415,240, C>G on the plus strand (G>C on the coding strand, the complement: MYH7 is on the minus strand). VCF-style: chr14-23415240-C-G. GRCh37 (hg19) VCF-style: chr14-23884449-C-G.
Other names: c.5314G>C, p.Glu1772Gln (NM_001407004.1); short protein forms E1772Q.
Identifiers: ClinVar variation 3073600 (VCV003073600.2), dbSNP rs1326035646, ClinGen allele CA389035864.

ClinVar aggregate classification (germline): Uncertain significance. Review status: criteria provided, multiple submitters, no conflicts (2 of 4 stars). 2 submissions from 2 submitters: Uncertain significance (2). Last evaluated 2023-10-02.

Conditions:
Cardiomyopathy (CMYO). Also called: Cardiomyopathies. Identifiers: Orphanet 167848, MedGen C0878544, MONDO:0004994, HP:0001638. Inheritance: Various modes of inheritance.

Submissions (2):

All of Us Research Program, National Institutes of Health
Classification: Uncertain significance for Cardiomyopathy. Last evaluated: 2023-10-02. Review status: criteria provided, single submitter. Criteria: ACMG Guidelines, 2015. Collection method: clinical testing. Allele origin: germline. Inheritance: Autosomal dominant inheritance. Observed: 1 variant allele, 1 heterozygote.
Comment: This missense variant replaces glutamic acid with glutamine at codon 1772 of the MYH7 protein. Computational prediction suggests that this variant may have deleterious impact on protein structure and function (internally defined REVEL score threshold >= 0.7, PMID: 27666373). To our knowledge, functional studies have not been reported for this variant. This variant has not been reported in individuals affected with MYH7-related disorders in the literature. This variant has not been identified in the general population by the Genome Aggregation Database (gnomAD). The available evidence is insufficient to determine the role of this variant in disease conclusively. Therefore, this variant is classified as a Variant of Uncertain Significance.

This study involves interpretation of variants in research participants for the purpose of population health screening. Participant phenotype was not available at the time of variant classification. Additional details can be found in publication PMID: 35346344, PMCID: PMC8962531

Color Diagnostics, LLC DBA Color Health
Classification: Uncertain significance for Cardiomyopathy. Last evaluated: 2023-09-13. Review status: criteria provided, single submitter. Criteria: ACMG Guidelines, 2015. Collection method: clinical testing. Allele origin: germline.
Comment: This missense variant replaces glutamic acid with glutamine at codon 1772 of the MYH7 protein. Computational prediction suggests that this variant may have deleterious impact on protein structure and function. To our knowledge, functional studies have not been reported for this variant. This variant has not been reported in individuals affected with MYH7-related disorders in the literature. This variant has not been identified in the general population by the Genome Aggregation Database (gnomAD). The available evidence is insufficient to determine the role of this variant in disease conclusively. Therefore, this variant is classified as a Variant of Uncertain Significance.